The following is an entry in ClinVar:

NM_003742.4(ABCB11):c.3803G>C (p.Arg1268Pro)

Gene: ABCB11 (ATP binding cassette subfamily B member 11; minus strand). Cytogenetic location: 2q31.1.
Variant type: single nucleotide variant.
Coding change: c.3803G>C on transcript NM_003742.4 (MANE Select); coding-DNA position 3803, G replaced by C.
Protein change: p.Arg1268Pro; replaces arginine 1268 with proline.
Molecular consequence: missense variant.
Genome position (GRCh38, 1-based): chr2:168,923,785, C>G on the plus strand (G>C on the coding strand, the complement: ABCB11 is on the minus strand). VCF-style: chr2-168923785-C-G. GRCh37 (hg19) VCF-style: chr2-169780295-C-G.
Other names: short protein forms R1268P.
Identifiers: ClinVar variation 4846147 (VCV004846147.1).

ClinVar aggregate classification (germline): Likely pathogenic (1 of 4 stars; one submission).

Conditions:
Familial intrahepatic cholestasis. Identifiers: Orphanet 284385, MedGen CN296401, MONDO:0017290.

Submission:

Genomenon, Inc
Classification: Likely pathogenic for Familial intrahepatic cholestasis. Last evaluated: 2026-04-14. Review status: criteria provided, single submitter. Criteria: Genomenon Sequence Variant Interpretation Standards - Updated. Collection method: curation. Allele origin: germline. Affected: yes.
Comment: ABCB11 p.Arg1268Pro (c.3803G>C) is a missense variant that changes the amino acid at residue 1268 from Arginine to Proline. This variant has been observed in at least one proband with an ABCB11-related disorder (PMID:32808743). It has been observed in trans with a pathogenic or likely pathogenic variant (PMID:32808743). The presence of pathogenic or likely pathogenic missense variant(s) at the same amino acid position indicates that this residue is likely important for protein function. It is absent or not present at a significant frequency in gnomAD. In silico models predict that this variant is possibly or probably damaging. In conclusion, we classify ABCB11 p.Arg1268Pro (c.3803G>C) as a likely pathogenic variant.

Literature cited by the submitters: PubMed 32808743.